The following is an entry in ClinVar:

ClinVar aggregate classification (germline): Pathogenic (1 of 4 stars; one submission).

Submission:

Labcorp Genetics (formerly Invitae), Labcorp
Classification: Pathogenic. Last evaluated: 2021-10-12. Review status: criteria provided, single submitter. Criteria: Invitae Variant Classification Sherloc (09022015). Collection method: clinical testing. Allele origin: germline.
Comment: For these reasons, this variant has been classified as Pathogenic. Algorithms developed to predict the effect of sequence changes on RNA splicing suggest that this variant may disrupt the consensus splice site. Disruption of this splice site has been observed in individual(s) with Stargardt disease (Invitae). This variant is not present in population databases (ExAC no frequency). This sequence change affects an acceptor splice site in intron 42 of the ABCA4 gene. It is expected to disrupt RNA splicing. Variants that disrupt the donor or acceptor splice site typically lead to a loss of protein function (PMID: 16199547), and loss-of-function variants in ABCA4 are known to be pathogenic (PMID: 10958761, 24938718, 25312043, 26780318).

Literature cited by the submitters: PubMed 16199547; PubMed 10958761; PubMed 24938718; PubMed 25312043; PubMed 26780318.

NM_000350.3(ABCA4):c.5899-1G>A

Gene: ABCA4 (ATP binding cassette subfamily A member 4; minus strand). Cytogenetic location: 1p22.1.
Variant type: single nucleotide variant.
Coding change: c.5899-1G>A on transcript NM_000350.3 (MANE Select); the canonical splice acceptor site of the intron before coding-DNA position 5899, G replaced by A.
Molecular consequence: splice acceptor variant.
Genome position (GRCh38, 1-based): chr1:94,007,741, C>T on the plus strand (G>A on the coding strand, the complement: ABCA4 is on the minus strand). VCF-style: chr1-94007741-C-T. GRCh37 (hg19) VCF-style: chr1-94473297-C-T.
Identifiers: ClinVar variation 1435876 (VCV001435876.6), dbSNP rs1553187160, ClinGen allele CA341279761.
Genomic context (GRCh38, chr1:94,007,741, plus strand): 5'-AGTGAGCATCTTGAATGTGGTTGTTTTGCCGGCACCATTCACTCCCAGGAGGCCAAAGCA[C>T]TAGGAGAAAACACAGAGCTAGCCTGGCCCTAGAGATCAAGAAGGTCTAAAATGTCAGGCC-3'